The following is an entry in ClinVar:

ClinVar aggregate classification (germline): Uncertain significance. Review status: criteria provided, multiple submitters, no conflicts (2 of 4 stars). 3 submissions from 3 submitters: Uncertain significance (3). Last evaluated 2026-01-26.

Allele frequency attached by ClinVar (database versions not stated): TOPMed 0.00002; 1000 Genomes Project 30x 0.00016; 1000 Genomes Project 0.00020.
gnomAD v4.1: 24 of 1,552,100 alleles (0.0015%); highest among the groups gnomAD compares: African/African-American, 0.03%; no homozygotes.

Submissions (3):

Labcorp Genetics (formerly Invitae), Labcorp
Classification: Uncertain significance. Last evaluated: 2026-01-26. Review status: criteria provided, single submitter. Criteria: Invitae Variant Classification Sherloc (09022015). Collection method: clinical testing. Allele origin: germline.
Comment: This sequence change replaces glycine, which is neutral and non-polar, with arginine, which is basic and polar, at codon 450 of the DTHD1 protein (p.Gly450Arg). This variant is present in population databases (rs371705837, gnomAD 0.03%). This variant has not been reported in the literature in individuals affected with DTHD1-related conditions. ClinVar contains an entry for this variant (Variation ID: 1022846). An algorithm developed to predict the effect of missense changes on protein structure and function (PolyPhen-2) suggests that this variant is likely to be disruptive. In summary, the available evidence is currently insufficient to determine the role of this variant in disease. Therefore, it has been classified as a Variant of Uncertain Significance.

Ambry Genetics
Classification: Uncertain significance. Last evaluated: 2025-05-20. Review status: criteria provided, single submitter. Criteria: Ambry Variant Classification Scheme 2023. Collection method: clinical testing. Allele origin: germline.

Blueprint Genetics
Classification: Uncertain significance. Last evaluated: 2022-08-24. Review status: criteria provided, single submitter. Criteria: ACMG Guidelines, 2015. Collection method: clinical testing. Allele origin: germline.

NM_001170700.3(DTHD1):c.2218G>C (p.Gly740Arg)

Gene: DTHD1 (death domain containing 1; plus strand). Cytogenetic location: 4p14.
Variant type: single nucleotide variant.
Coding change: c.2218G>C on transcript NM_001170700.3 (MANE Select); coding-DNA position 2218, G replaced by C.
Protein change: p.Gly740Arg; replaces glycine 740 with arginine.
Molecular consequence: missense variant. On other transcripts: non-coding transcript variant (2).
Genome position (GRCh38, 1-based): chr4:36,316,364, G>C. VCF-style: chr4-36316364-G-C. GRCh37 (hg19) VCF-style: chr4-36317986-G-C.
Other names: c.1843G>C (NM_001170700.1); c.1348G>C, p.Gly450Arg (NM_001136536.5); c.1285G>C, p.Gly429Arg (NM_001378435.1); short protein forms G429R, G450R, G740R.
Identifiers: ClinVar variation 1022846 (VCV001022846.12), dbSNP rs371705837, ClinGen allele CA2885720.